The following is an entry in ClinVar:

ClinVar aggregate classification (germline): Uncertain significance (1 of 4 stars; one submission).

Conditions:
Cardiovascular phenotype. Identifiers: MedGen CN230736.

Allele frequency attached by ClinVar (database versions not stated): TOPMed below 0.00001.

Submission:

Ambry Genetics
Classification: Uncertain significance for Cardiovascular phenotype. Last evaluated: 2023-03-07. Review status: criteria provided, single submitter. Criteria: Ambry Variant Classification Scheme 2023. Collection method: clinical testing. Allele origin: germline.
Comment: The p.G3019E variant (also known as c.9056G>A), located in coding exon 26 of the APOB gene, results from a G to A substitution at nucleotide position 9056. The glycine at codon 3019 is replaced by glutamic acid, an amino acid with similar properties. This amino acid position is conserved. In addition, this alteration is predicted to be tolerated by in silico analysis. Since supporting evidence is limited at this time, the clinical significance of this alteration remains unclear.

NM_000384.3(APOB):c.9056G>A (p.Gly3019Glu)

Gene: APOB (apolipoprotein B; minus strand). Cytogenetic location: 2p24.1.
Variant type: single nucleotide variant.
Coding change: c.9056G>A on transcript NM_000384.3 (MANE Select); coding-DNA position 9056, G replaced by A.
Protein change: p.Gly3019Glu; replaces glycine 3019 with glutamic acid.
Molecular consequence: missense variant.
Genome position (GRCh38, 1-based): chr2:21,007,812, C>T on the plus strand (G>A on the coding strand, the complement: APOB is on the minus strand). VCF-style: chr2-21007812-C-T. GRCh37 (hg19) VCF-style: chr2-21230684-C-T.
Other names: short protein forms G3019E.
Identifiers: ClinVar variation 2465358 (VCV002465358.2), dbSNP rs139751468, ClinGen allele CA43499388.
Genomic context (GRCh38, chr2:21,007,812, plus strand): 5'-AAGAAAAGAGAATTTTTCAAAGTTCCAATAACCTTTCCATTTAAATGAGCATCATGCCTC[C>T]CAGTAAACTCTGCCTTCCCTTCTCCAAACAGTGCCATGCCTTTAGCAGTTAGAACACTGT-3'
Protein context (NP_000375.3, residues 3009-3029): LFGEGKAEFT[Gly3019Glu]RHDAHLNGKV